The following is an entry in ClinVar:

NM_021620.4(PRDM13):c.130G>C (p.Gly44Arg)

Gene: PRDM13 (PR/SET domain 13; plus strand). Cytogenetic location: 6q16.2.
Variant type: single nucleotide variant.
Coding change: c.130G>C on transcript NM_021620.4 (MANE Select); coding-DNA position 130, G replaced by C.
Protein change: p.Gly44Arg; replaces glycine 44 with arginine.
Molecular consequence: missense variant.
Genome position (GRCh38, 1-based): chr6:99,607,164, G>C. VCF-style: chr6-99607164-G-C. GRCh37 (hg19) VCF-style: chr6-100055040-G-C.
Other names: short protein forms G44R.
Identifiers: ClinVar variation 2707909 (VCV002707909.3), dbSNP rs764386769, ClinGen allele CA365113287.

ClinVar aggregate classification (germline): Uncertain significance (1 of 4 stars; one submission).

Submission:

Labcorp Genetics (formerly Invitae), Labcorp
Classification: Uncertain significance. Last evaluated: 2024-01-06. Review status: criteria provided, single submitter. Criteria: Invitae Variant Classification Sherloc (09022015). Collection method: clinical testing. Allele origin: germline.
Comment: This sequence change replaces glycine, which is neutral and non-polar, with arginine, which is basic and polar, at codon 44 of the PRDM13 protein (p.Gly44Arg). This variant is not present in population databases (gnomAD no frequency). This variant has not been reported in the literature in individuals affected with PRDM13-related conditions. An algorithm developed to predict the effect of missense changes on protein structure and function (PolyPhen-2) suggests that this variant is likely to be disruptive. In summary, the available evidence is currently insufficient to determine the role of this variant in disease. Therefore, it has been classified as a Variant of Uncertain Significance.